The following is an entry in ClinVar:

ClinVar aggregate classification (germline): Uncertain significance. Review status: criteria provided, multiple submitters, no conflicts (2 of 4 stars). 2 submissions from 2 submitters: Uncertain significance (2). Last evaluated 2024-05-16.

Conditions:
Epilepsy, familial focal, with variable foci 3 (FFEVF3). Identifiers: MedGen C4310708, MONDO:0014925, OMIM 617118.

Allele frequency attached by ClinVar (database versions not stated): ExAC 0.00001; gnomAD 0.00001.
gnomAD v4.1: 11 of 1,602,606 alleles (0.00069%); highest among the groups gnomAD compares: East Asian, 0.0067%; no homozygotes.

Submissions (2):

Labcorp Genetics (formerly Invitae), Labcorp
Classification: Uncertain significance for Epilepsy, familial focal, with variable foci 3. Last evaluated: 2024-05-16. Review status: criteria provided, single submitter. Criteria: Invitae Variant Classification Sherloc (09022015). Collection method: clinical testing. Allele origin: germline.
Comment: This sequence change replaces proline, which is neutral and non-polar, with leucine, which is neutral and non-polar, at codon 136 of the NPRL3 protein (p.Pro136Leu). The frequency data for this variant in the population databases is considered unreliable, as metrics indicate poor data quality at this position in the gnomAD database. This variant has not been reported in the literature in individuals affected with NPRL3-related conditions. ClinVar contains an entry for this variant (Variation ID: 1010282). Advanced modeling of protein sequence and biophysical properties (such as structural, functional, and spatial information, amino acid conservation, physicochemical variation, residue mobility, and thermodynamic stability) performed at Invitae indicates that this missense variant is not expected to disrupt NPRL3 protein function with a negative predictive value of 80%. In summary, the available evidence is currently insufficient to determine the role of this variant in disease. Therefore, it has been classified as a Variant of Uncertain Significance.

Blueprint Genetics
Classification: Uncertain significance. Last evaluated: 2023-06-07. Review status: criteria provided, single submitter. Criteria: ACMG Guidelines, 2015. Collection method: clinical testing. Allele origin: germline.

NM_001077350.3(NPRL3):c.407C>T (p.Pro136Leu)

Genes: HBA-LCR (alpha-globin locus control region; plus strand), NPRL3 (NPR3 like, GATOR1 complex subunit; minus strand). Cytogenetic location: 16p13.3.
Variant type: single nucleotide variant.
Coding change: c.407C>T on transcript NM_001077350.3 (MANE Select); coding-DNA position 407, C replaced by T.
Protein change: p.Pro136Leu; replaces proline 136 with leucine.
Molecular consequence: missense variant. On other transcripts: 5 prime UTR variant (1).
Genome position (GRCh38, 1-based): chr16:112,762, G>A on the plus strand (C>T on the coding strand, the complement: NPRL3 is on the minus strand). VCF-style: chr16-112762-G-A. GRCh37 (hg19) VCF-style: chr16-162761-G-A.
Other names: c.-131C>T (NM_001039476.3); c.173C>T, p.Pro58Leu (NM_001243247.2); c.332C>T, p.Pro111Leu (NM_001243248.2, NM_001243249.2); short protein forms P111L, P136L, P58L.
Identifiers: ClinVar variation 1010282 (VCV001010282.11), dbSNP rs547462000, ClinGen allele CA7769668.